The following is an entry in ClinVar:

NM_183050.4(BCKDHB):c.732C>A (p.Tyr244Ter)

Gene: BCKDHB (branched chain keto acid dehydrogenase E1 subunit beta; plus strand). Cytogenetic location: 6q14.1.
Variant type: single nucleotide variant.
Coding change: c.732C>A on transcript NM_183050.4 (MANE Select); coding-DNA position 732, C replaced by A.
Protein change: p.Tyr244Ter; replaces tyrosine 244 with a stop codon.
Molecular consequence: nonsense. On other transcripts: non-coding transcript variant (1).
Genome position (GRCh38, 1-based): chr6:80,171,380, C>A. VCF-style: chr6-80171380-C-A. GRCh37 (hg19) VCF-style: chr6-80881097-C-A.
Other names: c.732C>A, p.Tyr244Ter (NM_000056.5); c.522C>A, p.Tyr174Ter (NM_001318975.1); short protein forms Y174*, Y244*.
Identifiers: ClinVar variation 983568 (VCV000983568.3), dbSNP rs537988425, ClinGen allele CA364658766.

ClinVar aggregate classification (germline): Likely pathogenic (1 of 4 stars; one submission).

Conditions:
Maple syrup urine disease (MSUD). Identifiers: Orphanet 511, MedGen C0024776, MeSH D008375, MONDO:0009563. Disease mechanism: loss of function.

Submission:

Myriad Genetics, Inc.
Classification: Likely pathogenic for Maple syrup urine disease type 1A. Last evaluated: 2019-01-15. Review status: criteria provided, single submitter. Criteria: Myriad Women's Health Autosomal Recessive and X-Linked Classification Criteria (2019). Collection method: clinical testing. Allele origin: unknown.
Comment: NM_183050.2(BCKDHB):c.732C>A(Y244*) is expected to be pathogenic in the context of maple syrup urine disease type Ib. This variant is predicted to lead to an abnormal or absent protein product due to the creation of a premature termination codon in BCKDHB, a gene where loss-of-function variants are known to be pathogenic. Please note: this variant was assessed in the context of healthy population screening.